The following is an entry in ClinVar:

ClinVar aggregate classification (germline): Uncertain significance (3 of 4 stars; one submission).

Conditions:
Hereditary antithrombin deficiency (AT3D). Also called: Reduced antithrombin III activity; Antithrombin III deficiency; Thrombophilia due to antithrombin III deficiency; Antithrombin deficiency. Identifiers: Orphanet 82, MedGen C0272375, MONDO:0013144, OMIM 613118, HP:0001976.

Submission:

Clingen Thrombosis Variant Curation Expert Panel, ClinGen
Classification: Uncertain significance for Hereditary antithrombin deficiency. Last evaluated: 2025-09-19. Review status: reviewed by expert panel. Criteria: ClinGen ACMG Specifications SERPINC1 V1.0.0. Collection method: curation. Allele origin: germline. Inheritance: Autosomal dominant inheritance.
Comment: The c.362T>C (NM_000488.3) variant in SERPINC1 is a missense variant predicted to cause substitution of methionine by threonine at the highly conserved amino acid 121 (p.Met121Thr), which is located in an alpha-helix secondary structure in the serpin domain. In addition, an amino acid residue in the vicinity forms part of a disulfide bond (residue 127) and another undergoes glycosylation (residue 128). The variant is absent from gnomAD v4.1.0 (PM2_supporting). Reported in a single proband with family history and IIPE/Conformational deficiency type with a mean AT cof activity of 69% and mean antigen levels of 81%. (PP4: PMID: 28300866). The computational predictor REVEL gives a score of 0.943, which is above the threshold of 0.6 (PP3). In summary, based on the evidence available at this time, the clinical significance of this variant is uncertain. ACMG/AMP criteria applied, as specified by the Thrombosis VCEP: PP4, PM2_Supporting, PP3.

NM_000488.4(SERPINC1):c.362T>C (p.Met121Thr)

Gene: SERPINC1 (serpin family C member 1; minus strand). Cytogenetic location: 1q25.1.
Variant type: single nucleotide variant.
Coding change: c.362T>C on transcript NM_000488.4 (MANE Select); coding-DNA position 362, T replaced by C.
Protein change: p.Met121Thr; replaces methionine 121 with threonine.
Molecular consequence: missense variant.
Genome position (GRCh38, 1-based): chr1:173,914,599, A>G on the plus strand (T>C on the coding strand, the complement: SERPINC1 is on the minus strand). VCF-style: chr1-173914599-A-G. GRCh37 (hg19) VCF-style: chr1-173883737-A-G.
Other names: NM_001386306.1:c.362T>C; c.218T>C, p.Met73Thr (NM_001365052.2); c.362T>C, p.Met121Thr (NM_001386302.1, NM_001386304.1, NM_001386305.1 and 1 more transcripts); c.443T>C, p.Met148Thr (NM_001386303.1); short protein forms M121T, M148T, M73T.
Identifiers: ClinVar variation 4686608 (VCV004686608.2).